The following is an entry in ClinVar:

ClinVar aggregate classification (germline): Uncertain significance. Review status: criteria provided, multiple submitters, no conflicts (2 of 4 stars). 2 submissions from 2 submitters: Uncertain significance (2). Last evaluated 2025-04-14.

Conditions:
Epileptic encephalopathy. Identifiers: MedGen C0543888, HP:0200134.
Inborn genetic diseases. Identifiers: MedGen C0950123, MeSH D030342.

Allele frequency attached by ClinVar (database versions not stated): TOPMed below 0.00001; ExAC 0.00001; gnomAD 0.00001; 1000 Genomes Project 30x 0.00016; gnomAD exomes below 0.00001; 1000 Genomes Project 0.00020.
gnomAD v4.1: 4 of 1,613,900 alleles (0.00025%); highest among the groups gnomAD compares: Admixed American, 0.0017%; no homozygotes.

Submissions (2):

Labcorp Genetics (formerly Invitae), Labcorp
Classification: Uncertain significance for Epileptic encephalopathy. Last evaluated: 2025-04-14. Review status: criteria provided, single submitter. Criteria: Invitae Variant Classification Sherloc (09022015). Collection method: clinical testing. Allele origin: germline.
Comment: This sequence change replaces alanine, which is neutral and non-polar, with threonine, which is neutral and polar, at codon 444 of the GABBR2 protein (p.Ala444Thr). This variant is present in population databases (rs566723170, gnomAD 0.003%). This variant has not been reported in the literature in individuals affected with GABBR2-related conditions. ClinVar contains an entry for this variant (Variation ID: 2852968). Invitae Evidence Modeling of protein sequence and biophysical properties (such as structural, functional, and spatial information, amino acid conservation, physicochemical variation, residue mobility, and thermodynamic stability) indicates that this missense variant is not expected to disrupt GABBR2 protein function with a negative predictive value of 80%. In summary, the available evidence is currently insufficient to determine the role of this variant in disease. Therefore, it has been classified as a Variant of Uncertain Significance.

Ambry Genetics
Classification: Uncertain significance for Inborn genetic diseases. Last evaluated: 2024-01-16. Review status: criteria provided, single submitter. Criteria: Ambry Variant Classification Scheme 2023. Collection method: clinical testing. Allele origin: germline.

NM_005458.8(GABBR2):c.1330G>A (p.Ala444Thr)

Gene: GABBR2 (gamma-aminobutyric acid type B receptor subunit 2; minus strand). Cytogenetic location: 9q22.33.
Variant type: single nucleotide variant.
Coding change: c.1330G>A on transcript NM_005458.8 (MANE Select); coding-DNA position 1330, G replaced by A.
Protein change: p.Ala444Thr; replaces alanine 444 with threonine.
Molecular consequence: missense variant.
Genome position (GRCh38, 1-based): chr9:98,394,223, C>T on the plus strand (G>A on the coding strand, the complement: GABBR2 is on the minus strand). VCF-style: chr9-98394223-C-T. GRCh37 (hg19) VCF-style: chr9-101156505-C-T.
Other names: c.1330G>A (NM_005458.7); short protein forms A444T.
Identifiers: ClinVar variation 2852968 (VCV002852968.4), dbSNP rs566723170, ClinGen allele CA5152750.